The following is an entry in ClinVar:

NM_005732.4(RAD50):c.379_383del (p.Val127fs)

Gene: RAD50 (RAD50 double strand break repair protein; plus strand). Cytogenetic location: 5q31.1.
Variant type: Deletion.
Coding change: c.379_383del on transcript NM_005732.4 (MANE Select); coding-DNA positions 379 to 383, 5 bases deleted (GTCAG; older notation c.379_383delGTCAG).
Protein change: p.Val127fs; shifts the reading frame from valine 127.
Molecular consequence: frameshift variant.
Genome position (GRCh38, 1-based): chr5:132,579,330-132,579,334, GTCAG deleted; deleting any 5 consecutive bases within chr5:132,579,328-132,579,334 gives the same sequence; the c. name uses the placement nearest the transcript's 3' end. VCF-style (leftmost placement, unchanged base first): chr5-132579327-AAGGTC-A. GRCh37 (hg19) VCF-style: chr5-131915019-AAGGTC-A.
Other names: short protein forms V127fs.
Identifiers: ClinVar variation 457470 (VCV000457470.7), dbSNP rs1554097758, ClinGen allele CA658657497.

ClinVar aggregate classification (germline): Pathogenic (1 of 4 stars; one submission).

Conditions:
Hereditary cancer-predisposing syndrome. Also called: Neoplastic Syndromes, Hereditary; Tumor predisposition; Hereditary Cancer Syndrome; Hereditary neoplastic syndrome. Identifiers: Orphanet 140162, MedGen C0027672, MeSH D009386, MONDO:0015356.

Submission:

Labcorp Genetics (formerly Invitae), Labcorp
Classification: Pathogenic for Hereditary cancer-predisposing syndrome. Last evaluated: 2021-12-07. Review status: criteria provided, single submitter. Criteria: Invitae Variant Classification Sherloc (09022015). Collection method: clinical testing. Allele origin: germline.
Comment: This variant has not been reported in the literature in individuals affected with RAD50-related conditions. For these reasons, this variant has been classified as Pathogenic. ClinVar contains an entry for this variant (Variation ID: 457470). This variant is not present in population databases (gnomAD no frequency). This sequence change creates a premature translational stop signal (p.Val127Serfs*4) in the RAD50 gene. It is expected to result in an absent or disrupted protein product. Loss-of-function variants in RAD50 are known to be pathogenic (PMID: 19409520).

Literature cited by the submitters: PubMed 19409520.